The following is an entry in ClinVar:

ClinVar aggregate classification (germline): Pathogenic (1 of 4 stars; one submission).

Submission:

Labcorp Genetics (formerly Invitae), Labcorp
Classification: Pathogenic. Last evaluated: 2024-09-06. Review status: criteria provided, single submitter. Criteria: Invitae Variant Classification Sherloc (09022015). Collection method: clinical testing. Allele origin: germline.
Comment: This sequence change creates a premature translational stop signal (p.Ser488Leufs*35) in the IMPDH1 gene. It is expected to result in an absent or disrupted protein product. Loss-of-function variants in IMPDH1 are known to be pathogenic (PMID: 14981049, 33090715). This variant is not present in population databases (gnomAD no frequency). This variant has not been reported in the literature in individuals affected with IMPDH1-related conditions. Algorithms developed to predict the effect of sequence changes on RNA splicing suggest that this variant may disrupt the consensus splice site. For these reasons, this variant has been classified as Pathogenic.

Literature cited by the submitters: PubMed 14981049; PubMed 33090715.

NM_000883.4(IMPDH1):c.1458_1461dup (p.Ser488fs)

Gene: IMPDH1 (inosine monophosphate dehydrogenase 1; minus strand). Cytogenetic location: 7q32.1.
Variant type: Duplication.
Coding change: c.1458_1461dup on transcript NM_000883.4 (MANE Select); coding-DNA positions 1458 to 1461, 4 bases duplicated (CTTC; older notation c.1458_1461dupCTTC).
Protein change: p.Ser488fs; shifts the reading frame from serine 488.
Molecular consequence: frameshift variant.
Genome position (GRCh38, 1-based): chr7:128,394,978-128,394,981, GAAG duplicated on the plus strand (CTTC on the coding strand, the reverse complement: IMPDH1 is on the minus strand). VCF-style (leftmost placement, unchanged base first): chr7-128394977-A-AGAAG. GRCh37 (hg19) VCF-style: chr7-128035031-A-AGAAG.
Other names: c.1428_1431dup, p.Ser478fs (NM_001102605.2); c.1203_1206dup, p.Ser403fs (NM_001142573.2); c.1188_1191dup, p.Ser398fs (NM_001142574.2); c.1128_1131dup, p.Ser378fs (NM_001142575.2); c.1359_1362dup, p.Ser455fs (NM_001142576.2); c.1251_1254dup, p.Ser419fs (NM_001304521.2); c.1350_1353dup, p.Ser452fs (NM_183243.3); short protein forms S403fs, S452fs, S455fs, S378fs, S419fs, S398fs, S478fs, S488fs.
Identifiers: ClinVar variation 3702726 (VCV003702726.2).